The following is an entry in ClinVar:

NM_013450.4(BAZ2B):c.5413G>T (p.Asp1805Tyr)

Gene: BAZ2B (bromodomain adjacent to zinc finger domain 2B; minus strand). Cytogenetic location: 2q24.2.
Variant type: single nucleotide variant.
Coding change: c.5413G>T on transcript NM_013450.4 (MANE Select); coding-DNA position 5413, G replaced by T.
Protein change: p.Asp1805Tyr; replaces aspartic acid 1805 with tyrosine.
Molecular consequence: missense variant.
Genome position (GRCh38, 1-based): chr2:159,347,527, C>A on the plus strand (G>T on the coding strand, the complement: BAZ2B is on the minus strand). VCF-style: chr2-159347527-C-A. GRCh37 (hg19) VCF-style: chr2-160204038-C-A.
Other names: c.5305G>T, p.Asp1769Tyr (NM_001289975.1); c.5251G>T, p.Asp1751Tyr (NM_001329857.2); c.5338G>T, p.Asp1780Tyr (NM_001329858.2); short protein forms D1751Y, D1769Y, D1780Y, D1805Y.
Identifiers: ClinVar variation 4084682 (VCV004084682.8).
Genomic context (GRCh38, chr2:159,347,527, plus strand): 5'-TATTCCAAGTCGATTTTACCTTCACTTGCAAACTTGCTGATGCAACTCTCCTTTCTAGAT[C>A]TTCTACCTGTTGAAGGACACTCAAATCCATTTCCATTGCTTGTTCTTCTACTGACCAGTT-3'
Protein context (NP_038478.2, residues 1795-1815): MDLSVLQQVE[Asp1805Tyr]LERRVASASL

ClinVar aggregate classification (germline): Uncertain significance (1 of 4 stars; one submission).

Submission:

CeGaT Center for Human Genetics Tuebingen
Classification: Uncertain significance. Last evaluated: 2025-07-01. Review status: criteria provided, single submitter. Criteria: CeGaT Center For Human Genetics Tuebingen Variant Classification Criteria Version 2. Collection method: clinical testing. Allele origin: germline. Affected: yes. Observed: 1 variant allele.
Comment: BAZ2B: PM2, BP4